The following is an entry in ClinVar:

ClinVar aggregate classification (germline): Uncertain significance. Review status: criteria provided, multiple submitters, no conflicts (2 of 4 stars). 10 submissions from 7 submitters: Uncertain significance (9). 1 of the submissions does not count toward it. Last evaluated 2025-07-15.

Conditions:
Hypokalemic periodic paralysis, type 1. Also called: Hypokalemic Periodic Paralysis Type 1 (AD); HypoPP. Identifiers: Orphanet 681, MedGen C3714580, MONDO:0042979, OMIM 170400.
Malignant hyperthermia, susceptibility to, 5 (MHS5). Also called: CACNA1S-Related Malignant Hyperthermia Susceptibility. Identifiers: Orphanet 423, MedGen C1866077, MONDO:0011163, OMIM 601887.
Congenital myopathy 18. Also called: DIHYDROPYRIDINE RECEPTOR CONGENITAL MYOPATHY; DHPR CONGENITAL MYOPATHY; Myopathy, congenital, due to dihydropyridine receptor defect. Identifiers: MedGen C5830283, MONDO:0859514, OMIM 620246.
Thyrotoxic periodic paralysis, susceptibility to, 1 (TTPP1). Identifiers: Orphanet 79102, MedGen C2749982, MONDO:0008570, OMIM 188580.

Allele frequency attached by ClinVar (database versions not stated): TOPMed below 0.00001; gnomAD 0.00001; gnomAD exomes 0.00001 and 0.00003; ExAC 0.00009; 1000 Genomes Project 0.00020; 1000 Genomes Project 30x 0.00031.
gnomAD v4.1: 39 of 1,554,178 alleles (0.0025%); highest among the groups gnomAD compares: Middle Eastern, 0.017%; no homozygotes.

Submissions (10):

Color Diagnostics, LLC DBA Color Health
Classification: Uncertain significance for Malignant hyperthermia, susceptibility to, 5. Last evaluated: 2025-07-15. Review status: criteria provided, single submitter. Criteria: ACMG Guidelines, 2015. Collection method: clinical testing. Allele origin: germline.
Comment: This missense variant replaces arginine with cysteine at codon 789 of the CACNA1S protein. Computational prediction suggests that this variant may have deleterious impact on protein structure and function. To our knowledge, functional studies have not been reported for this variant. This variant has not been reported in individuals affected with CACNA1S-related disorders in the literature. This variant has been identified in 2/157372 chromosomes in the general population by the Genome Aggregation Database (gnomAD). The available evidence is insufficient to determine the role of this variant in disease conclusively. Therefore, this variant is classified as a Variant of Uncertain Significance.

Labcorp Genetics (formerly Invitae), Labcorp
Classification: Uncertain significance for Hypokalemic periodic paralysis, type 1; Malignant hyperthermia, susceptibility to, 5. Last evaluated: 2024-11-13. Review status: criteria provided, single submitter. Criteria: Invitae Variant Classification Sherloc (09022015). Collection method: clinical testing. Allele origin: germline.
Comment: This sequence change replaces arginine, which is basic and polar, with cysteine, which is neutral and slightly polar, at codon 789 of the CACNA1S protein (p.Arg789Cys). This variant is present in population databases (rs148895719, gnomAD 0.004%). This missense change has been observed in individual(s) with clinical features of autosomal recessive CACNA1S-related conditions (PMID: 33060286). It has also been observed to segregate with disease in related individuals. ClinVar contains an entry for this variant (Variation ID: 389230). Invitae Evidence Modeling of protein sequence and biophysical properties (such as structural, functional, and spatial information, amino acid conservation, physicochemical variation, residue mobility, and thermodynamic stability) has been performed for this missense variant. However, the output from this modeling did not meet the statistical confidence thresholds required to predict the impact of this variant on CACNA1S protein function. In summary, the available evidence is currently insufficient to determine the role of this variant in disease. Therefore, it has been classified as a Variant of Uncertain Significance.

GeneDx
Classification: Uncertain significance. Last evaluated: 2024-10-14. Review status: criteria provided, single submitter. Criteria: GeneDx Variant Classification Process June 2021. Collection method: clinical testing. Allele origin: germline. Affected: yes.
Comment: Reported previously with a second variant, in trans, in a fetus with polyhydramnios, wrist contractures, talipes, reduced fetal movements, and mild dysmorphic features on autopsy; a previously affected sibling was found to harbor the same variants (PMID: 33060286); Not observed at significant frequency in large population cohorts (gnomAD); In silico analysis supports that this missense variant has a deleterious effect on protein structure/function; This variant is associated with the following publications: (PMID: 33060286)

Fulgent Genetics
Classification: Uncertain significance for Hypokalemic periodic paralysis, type 1; Thyrotoxic periodic paralysis, susceptibility to, 1; Malignant hyperthermia, susceptibility to, 5; Congenital myopathy 18. Last evaluated: 2024-05-14. Review status: criteria provided, single submitter. Criteria: ACMG Guidelines, 2015. Collection method: clinical testing. Allele origin: germline.

Women's Health and Genetics/Laboratory Corporation of America, LabCorp
Classification: Uncertain significance. Last evaluated: 2023-09-27. Review status: criteria provided, single submitter. Criteria: LabCorp Variant Classification Summary - May 2015. Collection method: clinical testing. Allele origin: germline.
Comment: Variant summary: CACNA1S c.2365C>T (p.Arg789Cys) results in a non-conservative amino acid change in the encoded protein sequence. Five of five in-silico tools predict a damaging effect of the variant on protein function. The variant allele was found at a frequency of 1.3e-05 in 157372 control chromosomes. The available data on variant occurrences in the general population are insufficient to allow any conclusion about variant significance. c.2365C>T has been reported in the literature in at least one compound heterozygous individual with clinical features of autosomal recessive congenital myopathy 18 (e.g., Ravenscroft_2021). However, this data does not allow any conclusion about variant significance. To our knowledge, no experimental evidence demonstrating an impact on protein function has been reported. The following publication has been ascertained in the context of this evaluation (PMID: 33060286). Three submitters have cited clinical-significance assessments for this variant to ClinVar after 2014; two submitters classified it as a variant of uncertain significance, while one classified it as pathogenic. Based on the evidence outlined above, the variant was classified as uncertain significance.

Genome-Nilou Lab
Classification: Uncertain significance for Malignant hyperthermia, susceptibility to, 5. Last evaluated: 2023-04-11. Review status: criteria provided, single submitter. Criteria: ACMG Guidelines, 2015. Collection method: clinical testing. Allele origin: germline. Affected: no.

Genome-Nilou Lab
Classification: Uncertain significance for Thyrotoxic periodic paralysis, susceptibility to, 1. Last evaluated: 2023-04-11. Review status: criteria provided, single submitter. Criteria: ACMG Guidelines, 2015. Collection method: clinical testing. Allele origin: germline. Affected: no.

Genome-Nilou Lab
Classification: Uncertain significance for Congenital myopathy 18. Last evaluated: 2023-04-11. Review status: criteria provided, single submitter. Criteria: ACMG Guidelines, 2015. Collection method: clinical testing. Allele origin: germline. Affected: no.

Genome-Nilou Lab
Classification: Uncertain significance for Hypokalemic periodic paralysis, type 1. Last evaluated: 2023-04-11. Review status: criteria provided, single submitter. Criteria: ACMG Guidelines, 2015. Collection method: clinical testing. Allele origin: germline. Affected: no.

OMIM
Classification: Pathogenic for CONGENITAL MYOPATHY 18, AUTOSOMAL RECESSIVE. Last evaluated: 2024-07-16. Review status: no assertion criteria provided. Collection method: literature only. Allele origin: germline. Not counted in ClinVar's aggregate classification.

Literature cited by the submitters: PubMed 33060286 (cited by 3 submitters).

NM_000069.3(CACNA1S):c.2365C>T (p.Arg789Cys)

Gene: CACNA1S (calcium voltage-gated channel subunit alpha1 S; minus strand). Cytogenetic location: 1q32.1.
Variant type: single nucleotide variant.
Coding change: c.2365C>T on transcript NM_000069.3 (MANE Select); coding-DNA position 2365, C replaced by T.
Protein change: p.Arg789Cys; replaces arginine 789 with cysteine.
Molecular consequence: missense variant.
Genome position (GRCh38, 1-based): chr1:201,069,597, G>A on the plus strand (C>T on the coding strand, the complement: CACNA1S is on the minus strand). VCF-style: chr1-201069597-G-A. GRCh37 (hg19) VCF-style: chr1-201038725-G-A.
Other names: short protein forms R789C.
Identifiers: ClinVar variation 389230 (VCV000389230.16), dbSNP rs148895719, ClinGen allele CA078964.
Genomic context (GRCh38, chr1:201,069,597, plus strand): 5'-TGAAGAGCAGGATGAAGTTGGTAAACCAGGTGGCATTGACGATGCGGTGACACAGGACAC[G>A]GATCCTGGTGGGGCGAGGTAGGGAGGGCAGGGGAGCTGTGAGCTGCTGGAGGCTCAGGCC-3'
Protein context (NP_000060.2, residues 779-799): FFIFSPTNKI[Arg789Cys]VLCHRIVNAT